The following is an entry in ClinVar:

NM_000321.3(RB1):c.1505C>T (p.Thr502Ile)

Gene: RB1 (RB transcriptional corepressor 1; plus strand). Cytogenetic location: 13q14.2.
Variant type: single nucleotide variant.
Coding change: c.1505C>T on transcript NM_000321.3 (MANE Select); coding-DNA position 1505, C replaced by T.
Protein change: p.Thr502Ile; replaces threonine 502 with isoleucine.
Molecular consequence: missense variant.
Genome position (GRCh38, 1-based): chr13:48,381,253, C>T. VCF-style: chr13-48381253-C-T. GRCh37 (hg19) VCF-style: chr13-48955389-C-T.
Other names: short protein forms T502I.
Identifiers: ClinVar variation 458129 (VCV000458129.21), dbSNP rs752334972, ClinGen allele CA029053.
Genomic context (GRCh38, chr13:48,381,253, plus strand): 5'-CCTAGCTCAAGGGTTAATATTTCATAAATAGTTACTTTTTTTTTTCATTTTTAGGAAGTA[C>T]ATCTCAGAATCTTGATTCTGGAACAGATTTGTCTTTCCCATGGATTCTGAATGTGCTTAA-3'
Protein context (NP_000312.2, residues 492-512): EVVMATYSRS[Thr502Ile]SQNLDSGTDL

ClinVar aggregate classification (germline): Conflicting classifications of pathogenicity. Review status: criteria provided, conflicting classifications (1 of 4 stars). 6 submissions from 6 submitters: Uncertain significance (4); Benign (1); Likely benign (1). Last evaluated 2026-10-01.

Conditions:
Hereditary cancer-predisposing syndrome. Also called: Hereditary neoplastic syndrome; Tumor predisposition; Neoplastic Syndromes, Hereditary; Hereditary Cancer Syndrome. Identifiers: Orphanet 140162, MedGen C0027672, MeSH D009386, MONDO:0015356.
Retinoblastoma (RB1). Also called: RETINOBLASTOMA, SOMATIC. Identifiers: Orphanet 790, MedGen C0035335, MeSH D012175, MONDO:0008380, OMIM 180200, HP:0009919. Disease mechanism: loss of function. Inheritance: Both sporadic and heritable forms are tested..

Allele frequency attached by ClinVar (database versions not stated): gnomAD exomes 0.00001 and below 0.00001; TOPMed 0.00001; ExAC 0.00001; gnomAD 0.00001.
gnomAD v4.1: 8 of 1,604,718 alleles (0.0005%); highest among the groups gnomAD compares: Middle Eastern, 0.018%; no homozygotes.

Submissions (6):

St. Jude Molecular Pathology, St. Jude Children's Research Hospital
Classification: Uncertain significance for Retinoblastoma. Last evaluated: 2026-10-01. Review status: criteria provided, single submitter. Criteria: St. Jude Assertion Criteria 2020. Collection method: clinical testing. Allele origin: germline.
Comment: The RB1 c.1505C>T p.(Thr502Ile) missense change has a maximum subpopulation frequency of 0.0065% in gnomAD v2.1.1. The in silico tool REVEL is inconclusive about a pathogenic or benign effect of this variant on protein function, and to our knowledge functional studies have not been performed. To our knowledge, this variant has not been reported in indi viduals with retinoblastoma. In summary, the evidence currently available is insufficient to determine the clinical significance of this variant. It has therefore been classified as of uncertain significance.Ã¢ € ¯

Ambry Genetics
Classification: Benign for Hereditary cancer-predisposing syndrome. Last evaluated: 2026-03-06. Review status: criteria provided, single submitter. Criteria: Ambry Variant Classification Scheme 2023. Collection method: clinical testing. Allele origin: germline.

Dasa
Classification: Uncertain significance. Last evaluated: 2025-07-14. Review status: criteria provided, single submitter. Criteria: DASA Assertion Criteria. Collection method: clinical testing. Allele origin: germline.
Comment: NM_000321.3(RB1):c.1505C>T (p.Thr502Ile) is a missense variant that results in the substitution of threonine with isoleucine. This variant is rare in population databases. Computational prediction algorithms are consistent with a benign effect. The currently available literature and clinical evidence are not sufficient to establish a definitive association between this variant and the reported condition. Therefore, this variant is classified as a variant of uncertain significance.

Labcorp Genetics (formerly Invitae), Labcorp
Classification: Likely benign for Retinoblastoma. Last evaluated: 2025-05-21. Review status: criteria provided, single submitter. Criteria: Invitae Variant Classification Sherloc (09022015). Collection method: clinical testing. Allele origin: germline.

All of Us Research Program, National Institutes of Health
Classification: Uncertain significance for Retinoblastoma. Last evaluated: 2024-02-05. Review status: criteria provided, single submitter. Criteria: ACMG Guidelines, 2015. Collection method: clinical testing. Allele origin: germline. Inheritance: Autosomal dominant inheritance. Observed: 4 variant alleles, 4 heterozygotes.
Comment: This missense variant replaces threonine with isoleucine at codon 502 of the RB1 protein. Computational prediction suggests that this variant may not impact protein structure and function (internally defined REVEL score threshold <= 0.5, PMID: 27666373). To our knowledge, functional studies have not been reported for this variant. This variant has been reported in individuals affected with breast cancer in the literature (PMID: 28202063). This variant has been identified in 1/241956 chromosomes in the general population by the Genome Aggregation Database (gnomAD). The available evidence is insufficient to determine the role of this variant in disease conclusively. Therefore, this variant is classified as a Variant of Uncertain Significance.

This study involves interpretation of variants in research participants for the purpose of population health screening. Participant phenotype was not available at the time of variant classification. Additional details can be found in publication PMID: 35346344, PMCID: PMC8962531

GeneDx
Classification: Uncertain significance. Last evaluated: 2023-12-04. Review status: criteria provided, single submitter. Criteria: GeneDx Variant Classification Process June 2021. Collection method: clinical testing. Allele origin: germline. Affected: yes.
Comment: Not observed at significant frequency in large population cohorts (gnomAD); In silico analysis, which includes protein predictors and evolutionary conservation, supports that this variant does not alter protein structure/function; Observed in individuals with breast or other cancer history and has not been reported in individuals with RB1-related cancers to our knowledge (PMID: 35534704, 28202063); This variant is associated with the following publications: (PMID: 28202063, 35534704, 23516486, 31980996)

Literature cited by the submitters: PubMed 28202063 (cited by All of Us Research Program, National Institutes of Health).